The following is an entry in ClinVar:

ClinVar aggregate classification (germline): Uncertain significance (1 of 4 stars; one submission).

Conditions:
Congenital primary aphakia. Also called: Anterior segment dysgenesis 2, multiple subtypes; ANTERIOR SEGMENT DYSGENESIS 2. Identifiers: Orphanet 83461, MedGen C1853230, MONDO:0012456, OMIM 610256.
Anterior segment dysgenesis. Also called: Ocular anterior segment dysgenesis. Identifiers: Orphanet 88632, MedGen C1862839, MONDO:0019503, HP:0007700.

Submission:

Labcorp Genetics (formerly Invitae), Labcorp
Classification: Uncertain significance for Anterior segment dysgenesis; Congenital primary aphakia. Last evaluated: 2024-04-03. Review status: criteria provided, single submitter. Criteria: Invitae Variant Classification Sherloc (09022015). Collection method: clinical testing. Allele origin: germline.
Comment: This sequence change replaces proline, which is neutral and non-polar, with leucine, which is neutral and non-polar, at codon 272 of the FOXE3 protein (p.Pro272Leu). This variant is not present in population databases (gnomAD no frequency). This variant has not been reported in the literature in individuals affected with FOXE3-related conditions. Advanced modeling of protein sequence and biophysical properties (such as structural, functional, and spatial information, amino acid conservation, physicochemical variation, residue mobility, and thermodynamic stability) performed at Invitae indicates that this missense variant is not expected to disrupt FOXE3 protein function with a negative predictive value of 80%. In summary, the available evidence is currently insufficient to determine the role of this variant in disease. Therefore, it has been classified as a Variant of Uncertain Significance.

NM_012186.3(FOXE3):c.815C>T (p.Pro272Leu)

Genes: LINC01389 (long independently transcribed non-coding RNA 1389; minus strand), FOXE3 (forkhead box E3; plus strand). Cytogenetic location: 1p33.
Variant type: single nucleotide variant.
Coding change: c.815C>T on transcript NM_012186.3 (MANE Select); coding-DNA position 815, C replaced by T.
Protein change: p.Pro272Leu; replaces proline 272 with leucine.
Molecular consequence: missense variant.
Genome position (GRCh38, 1-based): chr1:47,417,130, C>T. VCF-style: chr1-47417130-C-T. GRCh37 (hg19) VCF-style: chr1-47882802-C-T.
Other names: short protein forms P272L.
Identifiers: ClinVar variation 3747931 (VCV003747931.2).
Genomic context (GRCh38, chr1:47,417,130, plus strand): 5'-CCTGCGCTGCCGCCGCCTCCCCGCCACTCTACTCGCAGGTCCCCGACCGCCTGGTACTGC[C>T]CGCGACGCGCCCCGGCCCCGGCCCGCTGCCCGCTGAGCCCCTCCTGGCCTTGGCCGGGCC-3'
Protein context (NP_036318.1, residues 262-282): YSQVPDRLVL[Pro272Leu]ATRPGPGPLP